The following is an entry in ClinVar:

NM_014989.7(RIMS1):c.1679-20579A>G

Gene: RIMS1 (regulating synaptic membrane exocytosis 1; plus strand). Cytogenetic location: 6q13.
Variant type: single nucleotide variant.
Coding change: c.1679-20579A>G on transcript NM_014989.7 (MANE Select); 20579 bases into the intron before coding-DNA position 1679, A replaced by G.
Molecular consequence: intron variant. On other transcripts: synonymous variant (40), 5 prime UTR variant (7).
Genome position (GRCh38, 1-based): chr6:72,213,194, A>G. VCF-style: chr6-72213194-A-G. GRCh37 (hg19) VCF-style: chr6-72922897-A-G.
Other names: c.72A>G, p.Gly24= (NM_001168407.2, NM_001168408.2, NM_001350414.2 and 37 more transcripts); c.-86A>G (NM_001350421.2, NM_001350424.2, NM_001350428.2 and 4 more transcripts).
Identifiers: ClinVar variation 3049488 (VCV003049488.3), dbSNP rs375337635, ClinGen allele CA3885755.
Genomic context (GRCh38, chr6:72,213,194, plus strand): 5'-TGGGATTCATGTCTCTTCAGAAGGGTGGGAAGAAGTGAGGTCTGTTGATTCCGAAGAGGG[A>G]ACAATTGAAGCTCGACGAGCAGTTGCTGGTAAGCAATAGATAATGGTAATCCCACTTCAT-3'

ClinVar aggregate classification (germline): Likely benign. Review status: criteria provided, single submitter (1 of 4 stars). 2 submissions from 2 submitters: Likely benign (1). 1 of the submissions does not count toward it. Last evaluated 2024-09-23.

Conditions:
RIMS1-related disorder. Also called: RIMS1-related condition.

Allele frequency attached by ClinVar (database versions not stated): ExAC 0.00006; gnomAD 0.00021; TOPMed 0.00024; gnomAD exomes 0.00034; ESP Exome Variant Server 0.00066.
gnomAD v4.1: 511 of 1,536,614 alleles (0.033%); highest among the groups gnomAD compares: Non-Finnish European, 0.041%; no homozygotes.

Submissions (2):

Blueprint Genetics
Classification: Likely benign. Last evaluated: 2024-09-23. Review status: criteria provided, single submitter. Criteria: ACMG Guidelines, 2015. Collection method: clinical testing. Allele origin: germline.

PreventionGenetics, part of Exact Sciences
Classification: Likely benign for RIMS1-related condition. Last evaluated: 2019-07-29. Review status: no assertion criteria provided. Collection method: clinical testing. Allele origin: germline. Not counted in ClinVar's aggregate classification.
Comment: This variant is classified as likely benign based on ACMG/AMP sequence variant interpretation guidelines (Richards et al. 2015 PMID: 25741868, with internal and published modifications).